The following is an entry in ClinVar:

ClinVar aggregate classification (germline): Uncertain significance (1 of 4 stars; one submission).

Submission:

GeneDx
Classification: Uncertain significance. Last evaluated: 2022-03-08. Review status: criteria provided, single submitter. Criteria: GeneDx Variant Classification Process June 2021. Collection method: clinical testing. Allele origin: germline. Affected: yes.
Comment: Not observed at significant frequency in large population cohorts (gnomAD); In silico analysis supports that this missense variant does not alter protein structure/function; Has not been previously published as pathogenic or benign to our knowledge; Occurs in the triple helical domain at the X position in the canonical Gly-X-Y repeat; although this variant may have an effect on normal protein folding and function, missense substitution at the X position is not a common mechanism of disease

NM_000092.5(COL4A4):c.3650G>T (p.Ser1217Ile)

Gene: COL4A4 (collagen type IV alpha 4 chain; minus strand). Cytogenetic location: 2q36.3.
Variant type: single nucleotide variant.
Coding change: c.3650G>T on transcript NM_000092.5 (MANE Select); coding-DNA position 3650, G replaced by T.
Protein change: p.Ser1217Ile; replaces serine 1217 with isoleucine.
Molecular consequence: missense variant.
Genome position (GRCh38, 1-based): chr2:227,032,204, C>A on the plus strand (G>T on the coding strand, the complement: COL4A4 is on the minus strand). VCF-style: chr2-227032204-C-A. GRCh37 (hg19) VCF-style: chr2-227896920-C-A.
Other names: short protein forms S1217I.
Identifiers: ClinVar variation 1704877 (VCV001704877.2), dbSNP rs916424087, ClinGen allele CA350837828.
Genomic context (GRCh38, chr2:227,032,204, plus strand): 5'-TTACCTGGGGGTCCTGGGGGACCTTTCTTTCCACGAGGACCTGGAGGAGAGATTCCTGGG[C>A]TCCCAGGGTCTCCTCTCTCCCCTTTTAGCCCAGGTATTCCCACTGGACCAGGTGGCCCCA-3'
Protein context (NP_000083.3, residues 1207-1227): GLKGERGDPG[Ser1217Ile]PGISPPGPRG